The following is an entry in ClinVar:

NM_000051.4(ATM):c.6364_6365del (p.Thr2122fs)

Genes: ATM (ATM serine/threonine kinase; plus strand), C11orf65 (chromosome 11 open reading frame 65; minus strand). Cytogenetic location: 11q22.3.
Variant type: Deletion.
Coding change: c.6364_6365del on transcript NM_000051.4 (MANE Select); coding-DNA positions 6364 to 6365, 2 bases deleted (AC; older notation c.6364_6365delAC).
Protein change: p.Thr2122fs; shifts the reading frame from threonine 2122.
Molecular consequence: frameshift variant. On other transcripts: intron variant (2).
Genome position (GRCh38, 1-based): chr11:108,319,970-108,319,971, AC deleted. VCF-style (leftmost placement, unchanged base first): chr11-108319969-AAC-A. GRCh37 (hg19) VCF-style: chr11-108190696-AAC-A.
Other names: c.6364_6365del, p.Thr2122fs (NM_001351834.2); c.641-10900_641-10899del (NM_001330368.2); c.*39-10900_*39-10899del (NM_001351110.2); short protein forms T2122fs.
Identifiers: ClinVar variation 1355713 (VCV001355713.7), dbSNP rs2136219026, ClinGen allele CA2573146717.
Genomic context (GRCh38, chr11:108,319,969, plus strand): 5'-GGGTTCTGTTTTTAAGTATATTTTTTTCTTTGACTTATCTCACAGCAAAGAAGTAGAAGG[AAC>A]CAGTTACCATGAATCATTGTACAATGCTCTACAATCTCTAAGAGACAGAGAATTCTCTAC-3'

ClinVar aggregate classification (germline): Pathogenic/Likely pathogenic. Review status: criteria provided, multiple submitters, no conflicts (2 of 4 stars). 2 submissions from 2 submitters: Pathogenic (1); Likely pathogenic (1). Last evaluated 2021-10-07.

Conditions:
Hereditary cancer-predisposing syndrome. Also called: Tumor predisposition; Neoplastic Syndromes, Hereditary; Hereditary Cancer Syndrome; Hereditary neoplastic syndrome. Identifiers: Orphanet 140162, MedGen C0027672, MeSH D009386, MONDO:0015356.
Ataxia-telangiectasia syndrome (AT). Also called: Ataxia-telangiectasia; LOUIS-BAR SYNDROME; Ataxia-telangiectasia, complementation group D; AT, COMPLEMENTATION GROUP C; ATAXIA-TELANGIECTASIA, COMPLEMENTATION GROUP A; ATAXIA-TELANGIECTASIA, FRESNO VARIANT. Identifiers: Orphanet 100, MedGen C0004135, MONDO:0008840, OMIM 208900.

Submissions (2):

Sema4
Classification: Likely pathogenic for Hereditary cancer-predisposing syndrome. Last evaluated: 2021-10-07. Review status: criteria provided, single submitter. Criteria: Sema4 Curation Guidelines. Collection method: curation. Allele origin: germline.
Comment: To the best of our knowledge, the ATM c.6364_6365delAC (p.T2122QfsX4) variant has not been reported in individuals with ATM-related disease. This variant causes a frameshift at amino acid 2122 that results in premature termination 4 amino acids downstream. At this location, this is predicted to cause nonsense-mediated decay and result in an absent protein (loss of function). This variant is not reported in the population database Genome Aggregation Database (PMID: 32461654), nor has it been reported in ClinVar. Based on the current evidence available, this variant is interpreted as likely pathogenic.

Labcorp Genetics (formerly Invitae), Labcorp
Classification: Pathogenic for Ataxia-telangiectasia syndrome. Last evaluated: 2021-07-14. Review status: criteria provided, single submitter. Criteria: Invitae Variant Classification Sherloc (09022015). Collection method: clinical testing. Allele origin: germline.
Comment: This sequence change creates a premature translational stop signal (p.Thr2122Glnfs*4) in the ATM gene. It is expected to result in an absent or disrupted protein product. Loss-of-function variants in ATM are known to be pathogenic (PMID: 23807571, 25614872). This variant is not present in population databases (ExAC no frequency). This variant has not been reported in the literature in individuals affected with ATM-related conditions. For these reasons, this variant has been classified as Pathogenic.

Literature cited by the submitters: PubMed 23807571 (cited by Labcorp Genetics (formerly Invitae), Labcorp); PubMed 25614872 (cited by Labcorp Genetics (formerly Invitae), Labcorp).